The following is an entry in ClinVar:

NM_000057.4(BLM):c.2503C>T (p.Pro835Ser)

Gene: BLM (BLM RecQ like helicase; plus strand). Cytogenetic location: 15q26.1.
Variant type: single nucleotide variant.
Coding change: c.2503C>T on transcript NM_000057.4 (MANE Select); coding-DNA position 2503, C replaced by T.
Protein change: p.Pro835Ser; replaces proline 835 with serine.
Molecular consequence: missense variant.
Genome position (GRCh38, 1-based): chr15:90,769,534, C>T. VCF-style: chr15-90769534-C-T. GRCh37 (hg19) VCF-style: chr15-91312764-C-T.
Other names: c.2503C>T, p.Pro835Ser (NM_001287246.2, NM_001287247.2); c.1378C>T, p.Pro460Ser (NM_001287248.2); short protein forms P835S, P460S.
Identifiers: ClinVar variation 1518703 (VCV001518703.11), dbSNP rs2151166278, ClinGen allele CA393845459.

ClinVar aggregate classification (germline): Uncertain significance. Review status: criteria provided, multiple submitters, no conflicts (2 of 4 stars). 3 submissions from 3 submitters: Uncertain significance (3). Last evaluated 2026-01-16.

Conditions:
Bloom syndrome (BLM). Also called: Bloom-Torre-Machacek syndrome. Identifiers: Orphanet 125, MedGen C0005859, MONDO:0008876, OMIM 210900.
Hereditary cancer-predisposing syndrome. Also called: Hereditary neoplastic syndrome; Hereditary Cancer Syndrome; Tumor predisposition; Neoplastic Syndromes, Hereditary. Identifiers: Orphanet 140162, MedGen C0027672, MeSH D009386, MONDO:0015356.

Submissions (3):

Labcorp Genetics (formerly Invitae), Labcorp
Classification: Uncertain significance for Bloom syndrome. Last evaluated: 2026-01-16. Review status: criteria provided, single submitter. Criteria: Invitae Variant Classification Sherloc (09022015). Collection method: clinical testing. Allele origin: germline.
Comment: This sequence change replaces proline, which is neutral and non-polar, with serine, which is neutral and polar, at codon 835 of the BLM protein (p.Pro835Ser). This variant is not present in population databases (gnomAD no frequency). This variant has not been reported in the literature in individuals affected with BLM-related conditions. ClinVar contains an entry for this variant (Variation ID: 1518703). Invitae Evidence Modeling of protein sequence and biophysical properties (such as structural, functional, and spatial information, amino acid conservation, physicochemical variation, residue mobility, and thermodynamic stability) indicates that this missense variant is expected to disrupt BLM protein function with a positive predictive value of 80%. In summary, the available evidence is currently insufficient to determine the role of this variant in disease. Therefore, it has been classified as a Variant of Uncertain Significance.

Ambry Genetics
Classification: Uncertain significance for Hereditary cancer-predisposing syndrome. Last evaluated: 2023-07-22. Review status: criteria provided, single submitter. Criteria: Ambry Variant Classification Scheme 2023. Collection method: clinical testing. Allele origin: germline.
Comment: The p.P835S variant (also known as c.2503C>T), located in coding exon 11 of the BLM gene, results from a C to T substitution at nucleotide position 2503. The proline at codon 835 is replaced by serine, an amino acid with similar properties. This amino acid position is well conserved in available vertebrate species. In addition, this alteration is predicted to be tolerated by in silico analysis. Since supporting evidence is limited at this time, the clinical significance of this alteration remains unclear.

GeneDx
Classification: Uncertain significance. Last evaluated: 2022-06-07. Review status: criteria provided, single submitter. Criteria: GeneDx Variant Classification Process June 2021. Collection method: clinical testing. Allele origin: germline. Affected: yes.
Comment: Not observed at significant frequency in large population cohorts (gnomAD); In silico analysis supports that this missense variant has a deleterious effect on protein structure/function; Has not been previously published as pathogenic or benign to our knowledge